The following is an entry in ClinVar:

ClinVar aggregate classification (germline): Uncertain significance. Review status: criteria provided, multiple submitters, no conflicts (2 of 4 stars). 4 submissions from 4 submitters: Uncertain significance (4). Last evaluated 2022-07-19.

Conditions:
Glycine encephalopathy. Also called: Nonketotic hyperglycinemia; Non-ketotic hyperglycinemia. Identifiers: Orphanet 407, MedGen C0751748, MONDO:0011612, HP:0008288.

Allele frequency attached by ClinVar (database versions not stated): ExAC 0.00003; gnomAD exomes 0.00003 and 0.00005; TOPMed 0.00006; gnomAD 0.00007 and 0.00009; ESP Exome Variant Server 0.00008.

Submissions (4):

Labcorp Genetics (formerly Invitae), Labcorp
Classification: Uncertain significance for Glycine encephalopathy. Last evaluated: 2022-07-19. Review status: criteria provided, single submitter. Criteria: Invitae Variant Classification Sherloc (09022015). Collection method: clinical testing. Allele origin: germline.
Comment: This sequence change replaces aspartic acid, which is acidic and polar, with valine, which is neutral and non-polar, at codon 793 of the GLDC protein (p.Asp793Val). This variant is present in population databases (rs150833015, gnomAD 0.008%). This variant has not been reported in the literature in individuals affected with GLDC-related conditions. ClinVar contains an entry for this variant (Variation ID: 1429900). Advanced modeling of protein sequence and biophysical properties (such as structural, functional, and spatial information, amino acid conservation, physicochemical variation, residue mobility, and thermodynamic stability) performed at Invitae indicates that this missense variant is not expected to disrupt GLDC protein function. Algorithms developed to predict the effect of sequence changes on RNA splicing suggest that this variant may disrupt the consensus splice site. In summary, the available evidence is currently insufficient to determine the role of this variant in disease. Therefore, it has been classified as a Variant of Uncertain Significance.

GeneDx
Classification: Uncertain significance. Last evaluated: 2022-07-01. Review status: criteria provided, single submitter. Criteria: GeneDx Variant Classification Process June 2021. Collection method: clinical testing. Allele origin: germline. Affected: yes.
Comment: Not observed at significant frequency in large population cohorts (gnomAD); In silico analysis supports that this missense variant has a deleterious effect on protein structure/function; Has not been previously published as pathogenic or benign to our knowledge

Women's Health and Genetics/Laboratory Corporation of America, LabCorp
Classification: Uncertain significance. Last evaluated: 2022-06-21. Review status: criteria provided, single submitter. Criteria: LabCorp Variant Classification Summary - May 2015. Collection method: clinical testing. Allele origin: germline.
Comment: Variant summary: GLDC c.2378A>T (p.Asp793Val) results in a non-conservative amino acid change in the encoded protein sequence. Three of five in-silico tools predict a benign effect of the variant on protein function. The variant allele was found at a frequency of 2.8e-05 in 251486 control chromosomes (gnomAD). The available data on variant occurrences in the general population are insufficient to allow any conclusion about variant significance. To our knowledge, no occurrence of c.2378A>T in individuals affected with Glycine Encephalopathy (Non-Ketotic Hyperglycinemia) and no experimental evidence demonstrating its impact on protein function have been reported. One clinical diagnostic laboratory has submitted clinical-significance assessments for this variant to ClinVar after 2014 and classified the variant as uncertain significance. Based on the evidence outlined above, the variant was classified as uncertain significance.

Breakthrough Genomics
Classification: Uncertain significance. Review status: criteria provided, single submitter. Criteria: ACMG Guidelines, 2015. Collection method: not provided. Allele origin: germline. Inheritance: Autosomal recessive inheritance. Affected: yes.

NM_000170.3(GLDC):c.2378A>T (p.Asp793Val)

Gene: GLDC (glycine decarboxylase; minus strand). Cytogenetic location: 9p24.1.
Variant type: single nucleotide variant.
Coding change: c.2378A>T on transcript NM_000170.3 (MANE Select); coding-DNA position 2378, A replaced by T.
Protein change: p.Asp793Val; replaces aspartic acid 793 with valine.
Molecular consequence: missense variant.
Genome position (GRCh38, 1-based): chr9:6,553,447, T>A on the plus strand (A>T on the coding strand, the complement: GLDC is on the minus strand). VCF-style: chr9-6553447-T-A. GRCh37 (hg19) VCF-style: chr9-6553447-T-A.
Other names: short protein forms D793V.
Identifiers: ClinVar variation 1429900 (VCV001429900.6), dbSNP rs150833015, ClinGen allele CA4980248.